The following is an entry in ClinVar:

ClinVar aggregate classification (germline): Uncertain significance (1 of 4 stars; one submission).

gnomAD v4.1: 2 of 1,613,796 alleles (0.00012%); highest among the groups gnomAD compares: Non-Finnish European, 0.00017%; no homozygotes.

Submission:

Labcorp Genetics (formerly Invitae), Labcorp
Classification: Uncertain significance. Last evaluated: 2024-04-29. Review status: criteria provided, single submitter. Criteria: Invitae Variant Classification Sherloc (09022015). Collection method: clinical testing. Allele origin: germline.
Comment: This sequence change replaces serine, which is neutral and polar, with glycine, which is neutral and non-polar, at codon 526 of the RFWD3 protein (p.Ser526Gly). This variant is not present in population databases (gnomAD no frequency). This variant has not been reported in the literature in individuals affected with RFWD3-related conditions. An algorithm developed to predict the effect of missense changes on protein structure and function (PolyPhen-2) suggests that this variant is likely to be disruptive. In summary, the available evidence is currently insufficient to determine the role of this variant in disease. Therefore, it has been classified as a Variant of Uncertain Significance.

NM_018124.4(RFWD3):c.1576A>G (p.Ser526Gly)

Gene: RFWD3 (ring finger and WD repeat domain 3; minus strand). Cytogenetic location: 16q23.1.
Variant type: single nucleotide variant.
Coding change: c.1576A>G on transcript NM_018124.4 (MANE Select); coding-DNA position 1576, A replaced by G.
Protein change: p.Ser526Gly; replaces serine 526 with glycine.
Molecular consequence: missense variant.
Genome position (GRCh38, 1-based): chr16:74,632,524, T>C on the plus strand (A>G on the coding strand, the complement: RFWD3 is on the minus strand). VCF-style: chr16-74632524-T-C. GRCh37 (hg19) VCF-style: chr16-74666422-T-C.
Other names: c.1576A>G, p.Ser526Gly (NM_001370534.1, NM_001370535.1); c.1576A>G, p.Arg526Gly (NM_001370536.1); c.742A>G, p.Ser248Gly (NM_001370537.1, NM_001370539.1, NM_001370540.1 and 2 more transcripts); short protein forms R526G, S248G, S526G.
Identifiers: ClinVar variation 3687511 (VCV003687511.2).